The following is an entry in ClinVar:

NM_000245.4(MET):c.340G>A (p.Asp114Asn)

Gene: MET (MET proto-oncogene, receptor tyrosine kinase; plus strand). Cytogenetic location: 7q31.2.
Variant type: single nucleotide variant.
Coding change: c.340G>A on transcript NM_000245.4 (MANE Select); coding-DNA position 340, G replaced by A.
Protein change: p.Asp114Asn; replaces aspartic acid 114 with asparagine.
Molecular consequence: missense variant. On other transcripts: intron variant (1).
Genome position (GRCh38, 1-based): chr7:116,699,424, G>A. VCF-style: chr7-116699424-G-A. GRCh37 (hg19) VCF-style: chr7-116339478-G-A.
Other names: c.340G>A, p.Asp114Asn (NM_001127500.3, NM_001324401.3); c.-91+26847G>A (NM_001324402.2); short protein forms D114N.
Identifiers: ClinVar variation 1063796 (VCV001063796.9), dbSNP rs2116586335, ClinGen allele CA368968860.

ClinVar aggregate classification (germline): Uncertain significance (1 of 4 stars; one submission).

Conditions:
Renal cell carcinoma. Identifiers: Orphanet 217071, MedGen C0007134, MeSH D002292, MONDO:0005086, HP:0005584.

Submission:

Labcorp Genetics (formerly Invitae), Labcorp
Classification: Uncertain significance for Renal cell carcinoma. Last evaluated: 2020-10-21. Review status: criteria provided, single submitter. Criteria: Invitae Variant Classification Sherloc (09022015). Collection method: clinical testing. Allele origin: germline.
Comment: In summary, the available evidence is currently insufficient to determine the role of this variant in disease. Therefore, it has been classified as a Variant of Uncertain Significance. Algorithms developed to predict the effect of missense changes on protein structure and function are either unavailable or do not agree on the potential impact of this missense change (SIFT: "Tolerated"; PolyPhen-2: "Possibly Damaging"; Align-GVGD: "Class C0"). This variant has not been reported in the literature in individuals with MET-related conditions. This variant is not present in population databases (ExAC no frequency). This sequence change replaces aspartic acid with asparagine at codon 114 of the MET protein (p.Asp114Asn). The aspartic acid residue is moderately conserved and there is a small physicochemical difference between aspartic acid and asparagine.